The following is an entry in ClinVar:

NM_000260.4(MYO7A):c.1578C>G (p.His526Gln)

Gene: MYO7A (myosin VIIA; plus strand). Cytogenetic location: 11q13.5.
Variant type: single nucleotide variant.
Coding change: c.1578C>G on transcript NM_000260.4 (MANE Select); coding-DNA position 1578, C replaced by G.
Protein change: p.His526Gln; replaces histidine 526 with glutamine.
Molecular consequence: missense variant.
Genome position (GRCh38, 1-based): chr11:77,162,876, C>G. VCF-style: chr11-77162876-C-G. GRCh37 (hg19) VCF-style: chr11-76873922-C-G.
Other names: c.1578C>G, p.His526Gln (NM_001127180.2); c.1545C>G, p.His515Gln (NM_001369365.1); short protein forms H515Q, H526Q.
Identifiers: ClinVar variation 4990348 (VCV004990348.1).
Genomic context (GRCh38, chr11:77,162,876, plus strand): 5'-GAGAGGGTGGGCTCACAGCTGCCCCTCCACTCCCCAGGGCACAGACACCACCATGTTACA[C>G]AAGCTGAACTCCCAGCACAAGCTCAACGCCAACTACATCCCCCCCAAGAACAACCATGAG-3'
Protein context (NP_000251.3, residues 516-536): FPKGTDTTML[His526Gln]KLNSQHKLNA

ClinVar aggregate classification (germline): Uncertain significance (1 of 4 stars; one submission).

Conditions:
MYO7A-related disorder. Also called: MYO7A-related disorders.

gnomAD v4.1: 1 of 1,613,828 alleles (0.000062%); highest among the groups gnomAD compares: African/African-American, 0.0013%; no homozygotes.

Submission:

PreventionGenetics, part of Exact Sciences
Classification: Uncertain significance for MYO7A-related condition. Last evaluated: 2025-12-08. Review status: criteria provided, single submitter. Criteria: ACMG Guidelines, 2015. Collection method: clinical testing. Allele origin: germline.
Comment: The MYO7A c.1578C>G variant is predicted to result in the amino acid substitution p.His526Gln. To our knowledge, this variant has not been reported in the literature or in a large population database (gnomAD), indicating this variant is rare. At this time, the clinical significance of this variant is uncertain due to the absence of conclusive functional and genetic evidence.